The following is an entry in ClinVar:

ClinVar aggregate classification (germline): Pathogenic. Review status: reviewed by expert panel (3 of 4 stars). 2 submissions from 2 submitters: Pathogenic (1). 1 of the submissions does not count toward it. Last evaluated 2026-09-26.

Conditions:
Juvenile retinoschisis (RS1). Also called: X-linked retinoschisis; X-Linked Juvenile Retinoschisis. Identifiers: Orphanet 792, MedGen C3714753, MONDO:0010725, OMIM 312700.

Submissions (2):

ClinGen X-linked Inherited Retinal Disease Variant Curation Expert Panel, ClinGen
Classification: Pathogenic for Juvenile retinoschisis. Last evaluated: 2026-09-26. Review status: reviewed by expert panel. Criteria: ClinGen X LinkedIRD ACMG Specifications RS1 V1.0.0. Collection method: curation. Allele origin: germline. Inheritance: X-linked inheritance.
Comment: NM_000330.4(RS1):c.206_207del (p.Leu69ArgfsTer16) is a frameshift variant caused by a one-nucleotide deletion, which introduces a premature stop codon in exon 4 of 6 and is predicted to trigger nonsense-mediated decay (PVS1). This variant is absent from hemizygous individuals in gnomAD v4.1.0 (PM2_Supporting). At least one proband harboring this variant exhibits a phenotype including the appearance of schisis and reduced visual acuity before age 13 years, and showing retinal detachment, which together are highly specific for X-linked retinoschisis (PMID: 25168411, PP4_Moderate). The variant has been reported to segregate with retinal dystrophy through two brothers (PP1; PMID: 25168411). In summary, this variant is classified as pathogenic for X-linked retinoschisis based on the ClinGen X-linked Inherited Retinal Disease Expert Panel Specifications to the ACMG/AMP Variant Interpretation Guidelines for RS1 Version 1.0.0: PM2_Supporting, PVS1, PP4_Moderate, and PP1.

Division of Genetic & Genomic Pathology, Hong Kong Children's Hospital
Classification: Pathogenic for Juvenile retinoschisis. Last evaluated: 2025-03-21. Review status: criteria provided, single submitter. Criteria: ACMG Guidelines, 2015. Collection method: clinical testing. Allele origin: germline. Affected: yes. Not counted in ClinVar's aggregate classification.
Comment: RS1 c.206_207del is a 2-basepair frameshift deletion located in exon 4 (out of 6 exons) of the RS1 gene. It is predicted to generate mRNA transcripts with premature stop codon targeted by nonsense-mediated decay, resulting in absent protein production. Loss of function variants in the RS1 gene is the mechanism of disease causation (PMID: 20301401). The small deletion is absent in population control (gnomAD v4.1.0). The variant has been reported two affected male siblings in a Chinese family with X-linked retinoschisis (PMID: 25168411). Overall, the 2-basepair frameshift deletion is classified as PATHOGENIC.

Literature cited by the submitters: PubMed 20301401 (cited by Division of Genetic & Genomic Pathology, Hong Kong Children's Hospital); PubMed 25168411 (cited by Division of Genetic & Genomic Pathology, Hong Kong Children's Hospital).

NM_000330.4(RS1):c.206_207del (p.Leu69fs)

Genes: CDKL5 (cyclin dependent kinase like 5; plus strand), RS1 (retinoschisin 1; minus strand). Cytogenetic location: Xp22.13.
Variant type: Deletion.
Coding change: c.206_207del on transcript NM_000330.4 (MANE Select); coding-DNA positions 206 to 207, 2 bases deleted (TG; older notation c.206_207delTG).
Protein change: p.Leu69fs; shifts the reading frame from leucine 69.
Molecular consequence: frameshift variant. On other transcripts: intron variant (2).
Genome position (GRCh38, 1-based): chrX:18,647,310-18,647,311, CA deleted on the plus strand (TG on the coding strand, the reverse complement: RS1 is on the minus strand). VCF-style (leftmost placement, unchanged base first): chrX-18647309-CCA-C. GRCh37 (hg19) VCF-style: chrX-18665429-CCA-C.
Other names: NM_003159.3:c.2797+1220_2797+1221del; c.2797+1220_2797+1221del (NM_003159.3, NM_001037343.2); short protein forms L69fs.
Identifiers: ClinVar variation 4849233 (VCV004849233.2).
Genomic context (GRCh38, chrX:18,647,309, plus strand): 5'-CATACTGCTCCGGGTTAGAGCAGGTGATCTGGTCCGGTGTGACCTCCCCTGACTCGAAAC[CCA>C]GAGGCTTGTGATATGGGCATTCTGGGAAAGGAAAAAGAATTCACATTCACACATATCTCA-3'